The following is an entry in ClinVar:

NM_024675.4(PALB2):c.462A>G (p.Thr154=)

Gene: PALB2 (partner and localizer of BRCA2; minus strand). Cytogenetic location: 16p12.2.
Variant type: single nucleotide variant.
Coding change: c.462A>G on transcript NM_024675.4 (MANE Select); coding-DNA position 462, A replaced by G.
Protein change: p.Thr154=; no amino-acid change (threonine 154 retained).
Molecular consequence: synonymous variant.
Genome position (GRCh38, 1-based): chr16:23,636,084, T>C on the plus strand (A>G on the coding strand, the complement: PALB2 is on the minus strand). VCF-style: chr16-23636084-T-C. GRCh37 (hg19) VCF-style: chr16-23647405-T-C.
Identifiers: ClinVar variation 385336 (VCV000385336.21), dbSNP rs1057522196, ClinGen allele CA16607221.

ClinVar aggregate classification (germline): Benign/Likely benign. Review status: criteria provided, multiple submitters, no conflicts (2 of 4 stars). 6 submissions from 6 submitters: Benign (1); Likely benign (5). Last evaluated 2026-01-21.

Conditions:
PALB2-related disorder. Also called: PALB2-related disorders; PALB2-related condition.
Hereditary cancer-predisposing syndrome. Also called: Neoplastic Syndromes, Hereditary; Tumor predisposition; Hereditary Cancer Syndrome; Hereditary neoplastic syndrome. Identifiers: Orphanet 140162, MedGen C0027672, MeSH D009386, MONDO:0015356.
Familial cancer of breast. Also called: hereditary breast carcinoma; BREAST CANCER, FAMILIAL; Hereditary breast cancer. Identifiers: Orphanet 227535, MedGen C0346153, MONDO:0016419, OMIM 114480. Disease mechanism: loss of function.

Allele frequency attached by ClinVar (database versions not stated): gnomAD 0.00001; TOPMed 0.00001.
gnomAD v4.1: 2 of 1,613,860 alleles (0.00012%); highest among the groups gnomAD compares: African/African-American, 0.0013%; no homozygotes.

Submissions (6):

Labcorp Genetics (formerly Invitae), Labcorp
Classification: Likely benign for Familial cancer of breast. Last evaluated: 2026-01-21. Review status: criteria provided, single submitter. Criteria: Invitae Variant Classification Sherloc (09022015). Collection method: clinical testing. Allele origin: germline.

PreventionGenetics, part of Exact Sciences
Classification: Likely benign for PALB2-related condition. Last evaluated: 2025-08-18. Review status: criteria provided, single submitter. Criteria: ACMG Guidelines, 2015. Collection method: clinical testing. Allele origin: germline.
Comment: This variant is classified as likely benign based on ACMG/AMP sequence variant interpretation guidelines (Richards et al. 2015 PMID: 25741868, with internal and published modifications).

Myriad Genetics, Inc.
Classification: Benign for Familial cancer of breast. Last evaluated: 2025-01-10. Review status: criteria provided, single submitter. Criteria: Myriad Autosomal Dominant, Autosomal Recessive and X-Linked Classification Criteria (2023). Collection method: clinical testing. Allele origin: unknown.
Comment: This variant is considered benign. This variant is a silent/synonymous amino acid change and it is not expected to impact splicing.

Ambry Genetics
Classification: Likely benign for Hereditary cancer-predisposing syndrome. Last evaluated: 2017-07-27. Review status: criteria provided, single submitter. Criteria: Ambry Variant Classification Scheme 2023. Collection method: clinical testing. Allele origin: germline.

Color Diagnostics, LLC DBA Color Health
Classification: Likely benign for Hereditary cancer-predisposing syndrome. Last evaluated: 2017-04-06. Review status: criteria provided, single submitter. Criteria: ACMG Guidelines, 2015. Collection method: clinical testing. Allele origin: germline.

GeneDx
Classification: Likely benign. Last evaluated: 2016-04-04. Review status: criteria provided, single submitter. Criteria: GeneDx Variant Classification (06012015). Collection method: clinical testing. Allele origin: germline. Affected: yes.
Comment: This variant is considered likely benign or benign based on one or more of the following criteria: it is a conservative change, it occurs at a poorly conserved position in the protein, it is predicted to be benign by multiple in silico algorithms, and/or has population frequency not consistent with disease.